The following is an entry in ClinVar:

ClinVar aggregate classification (germline): Uncertain significance (1 of 4 stars; one submission).

Conditions:
Norman-Roberts syndrome (LIS2). Also called: Lissencephaly 2 (Norman-Roberts type). Identifiers: Orphanet 89844, MedGen C0796089, MONDO:0009760, OMIM 257320.
Familial temporal lobe epilepsy 7. Identifiers: Orphanet 101046, MedGen C4225327, MONDO:0014639, OMIM 616436.

gnomAD v4.1: 1 of 1,614,164 alleles (0.000062%); no homozygotes.

Submission:

Labcorp Genetics (formerly Invitae), Labcorp
Classification: Uncertain significance for Familial temporal lobe epilepsy 7; Norman-Roberts syndrome. Last evaluated: 2022-08-16. Review status: criteria provided, single submitter. Criteria: Invitae Variant Classification Sherloc (09022015). Collection method: clinical testing. Allele origin: germline.
Comment: In summary, the available evidence is currently insufficient to determine the role of this variant in disease. Therefore, it has been classified as a Variant of Uncertain Significance. Algorithms developed to predict the effect of missense changes on protein structure and function (SIFT, PolyPhen-2, Align-GVGD) all suggest that this variant is likely to be tolerated. ClinVar contains an entry for this variant (Variation ID: 1045320). This variant has not been reported in the literature in individuals affected with RELN-related conditions. This variant is not present in population databases (gnomAD no frequency). This sequence change replaces serine, which is neutral and polar, with asparagine, which is neutral and polar, at codon 3166 of the RELN protein (p.Ser3166Asn).

NM_005045.4(RELN):c.9497G>A (p.Ser3166Asn)

Genes: SLC26A5-AS1 (SLC26A5 antisense RNA 1; plus strand), RELN (reelin; minus strand), LOC126860130 (BRD4-independent group 4 enhancer GRCh37_chr7:103130126-103131325; plus strand). Cytogenetic location: 7q22.1.
Variant type: single nucleotide variant.
Coding change: c.9497G>A on transcript NM_005045.4 (MANE Select); coding-DNA position 9497, G replaced by A.
Protein change: p.Ser3166Asn; replaces serine 3166 with asparagine.
Molecular consequence: missense variant.
Genome position (GRCh38, 1-based): chr7:103,490,776, C>T on the plus strand (G>A on the coding strand, the complement: RELN is on the minus strand). VCF-style: chr7-103490776-C-T. GRCh37 (hg19) VCF-style: chr7-103131223-C-T.
Other names: c.9497G>A, p.Ser3166Asn (NM_173054.3); short protein forms S3166N.
Identifiers: ClinVar variation 1045320 (VCV001045320.9), dbSNP rs1828622359, ClinGen allele CA368745569.